The following is an entry in ClinVar:

NM_002072.5(GNAQ):c.736-3dup

Gene: GNAQ (G protein subunit alpha q; minus strand). Cytogenetic location: 9q21.2.
Variant type: Duplication.
Coding change: c.736-3dup on transcript NM_002072.5 (MANE Select); 3 bases into the intron before coding-DNA position 736, one base duplicated (C; older notation c.736-3dupC).
Molecular consequence: intron variant.
Genome position (GRCh38, 1-based): chr9:77,728,670, G duplicated on the plus strand (C on the coding strand, the reverse complement: GNAQ is on the minus strand); the first of 2 consecutive G bases (chr9:77,728,670-77,728,671); duplicating either gives the same sequence. VCF-style (leftmost placement, unchanged base first): chr9-77728669-T-TG. GRCh37 (hg19) VCF-style: chr9-80343585-T-TG.
Identifiers: ClinVar variation 3058149 (VCV003058149.2), dbSNP rs757232284, ClinGen allele CA5094560.

ClinVar aggregate classification (germline): Likely benign (0 of 4 stars; one submission).

Conditions:
GNAQ-related disorder. Also called: GNAQ-related condition.

Submission:

PreventionGenetics, part of Exact Sciences
Classification: Likely benign for GNAQ-related condition. Last evaluated: 2019-04-05. Review status: no assertion criteria provided. Collection method: clinical testing. Allele origin: germline.
Comment: This variant is classified as likely benign based on ACMG/AMP sequence variant interpretation guidelines (Richards et al. 2015 PMID: 25741868, with internal and published modifications).